The following is an entry in ClinVar:

NC_000012.11:g.(?_124189059)_(124192260_?)del

Gene: TCTN2 (tectonic family member 2; plus strand). Cytogenetic location: 12q24.31.
Variant type: Deletion.
Identifiers: ClinVar variation 2426893 (VCV002426893.6).

ClinVar aggregate classification (germline): Pathogenic (1 of 4 stars; one submission).

Conditions:
Joubert syndrome. Also called: CEREBELLOPARENCHYMAL DISORDER IV; JOUBERT-BOLTSHAUSER SYNDROME; Familial aplasia of the vermis. Identifiers: Orphanet 475, MedGen C5979921, MONDO:0018772.
Meckel-Gruber syndrome. Also called: DYSENCEPHALIA SPLANCHNOCYSTICA; GRUBER SYNDROME; Dysencephalia splachnocystica. Identifiers: Orphanet 564, MedGen C0265215, MONDO:0018921.

Submission:

Labcorp Genetics (formerly Invitae), Labcorp
Classification: Pathogenic for Joubert syndrome; Meckel-Gruber syndrome. Last evaluated: 2022-11-22. Review status: criteria provided, single submitter. Criteria: Invitae Variant Classification Sherloc (09022015). Collection method: clinical testing. Allele origin: germline.
Comment: For these reasons, this variant has been classified as Pathogenic. This variant disrupts a region of the TCTN2 protein in which other variant(s) (p.Ile584Lys) have been determined to be pathogenic (PMID: 26092869). This suggests that this is a clinically significant region of the protein, and that variants that disrupt it are likely to be disease-causing. This variant has not been reported in the literature in individuals affected with TCTN2-related conditions. This variant is a gross deletion of the genomic region encompassing exon(s) 15-18 of the TCTN2 gene, which includes the termination codon. This deletion extends beyond the assayed region for this gene and therefore may encompass additional genes. While this deletion is not anticipated to lead to nonsense mediated decay, it is expected to alter mRNA translation or result in a truncated protein product.

Literature cited by the submitters: PubMed 26092869.